The following is an entry in ClinVar:

NM_176787.5(PIGN):c.1858G>C (p.Val620Leu)

Gene: PIGN (phosphatidylinositol glycan anchor biosynthesis class N; minus strand). Cytogenetic location: 18q21.33.
Variant type: single nucleotide variant.
Coding change: c.1858G>C on transcript NM_176787.5 (MANE Select); coding-DNA position 1858, G replaced by C.
Protein change: p.Val620Leu; replaces valine 620 with leucine.
Molecular consequence: missense variant.
Genome position (GRCh38, 1-based): chr18:62,105,544, C>G on the plus strand (G>C on the coding strand, the complement: PIGN is on the minus strand). VCF-style: chr18-62105544-C-G. GRCh37 (hg19) VCF-style: chr18-59772777-C-G.
Other names: c.1858G>C, p.Val620Leu (NM_012327.6); short protein forms V620L.
Identifiers: ClinVar variation 1781451 (VCV001781451.4), dbSNP rs764851350, ClinGen allele CA8982161.

ClinVar aggregate classification (germline): Uncertain significance. Review status: criteria provided, multiple submitters, no conflicts (2 of 4 stars). 2 submissions from 2 submitters: Uncertain significance (2). Last evaluated 2026-03-06.

Conditions:
Inborn genetic diseases. Identifiers: MedGen C0950123, MeSH D030342.

Allele frequency attached by ClinVar (database versions not stated): gnomAD exomes 0.00002.
gnomAD v4.1: 31 of 1,503,812 alleles (0.0021%); highest among the groups gnomAD compares: Non-Finnish European, 0.0027%; no homozygotes.

Submissions (2):

GeneDx
Classification: Uncertain significance. Last evaluated: 2026-03-06. Review status: criteria provided, single submitter. Criteria: GeneDx Variant Classification Process June 2021. Collection method: clinical testing. Allele origin: germline.
Comment: Not observed at significant frequency in large population cohorts (gnomAD); In silico analysis suggests that this missense variant does not alter protein structure/function; Has not been previously published as pathogenic or benign to our knowledge

Ambry Genetics
Classification: Uncertain significance for Inborn genetic diseases. Last evaluated: 2025-02-01. Review status: criteria provided, single submitter. Criteria: Ambry Variant Classification Scheme 2023. Collection method: clinical testing. Allele origin: germline.